The following is an entry in ClinVar:

NM_001267550.2(TTN):c.33249G>T (p.Val11083=)

Gene: TTN (titin; minus strand). Cytogenetic location: 2q31.2.
Variant type: single nucleotide variant.
Coding change: c.33249G>T on transcript NM_001267550.2 (MANE Select); coding-DNA position 33249, G replaced by T.
Protein change: p.Val11083=; no amino-acid change (valine 11083 retained).
Molecular consequence: synonymous variant. On other transcripts: intron variant (3).
Genome position (GRCh38, 1-based): chr2:178,681,170, C>A on the plus strand (G>T on the coding strand, the complement: TTN is on the minus strand). VCF-style: chr2-178681170-C-A. GRCh37 (hg19) VCF-style: chr2-179545897-C-A.
Other names: c.32298G>T, p.Val10766= (NM_001256850.1); c.29517G>T, p.Val9839= (NM_133378.4); c.13283-38853G>T (NM_003319.4); c.13859-38853G>T (NM_133437.4); c.13658-38853G>T (NM_133432.3).
Identifiers: ClinVar variation 2437451 (VCV002437451.12), dbSNP rs773979636, ClinGen allele CA1998402.

ClinVar aggregate classification (germline): Conflicting classifications of pathogenicity. Review status: criteria provided, conflicting classifications (1 of 4 stars). 3 submissions from 3 submitters: Uncertain significance (1); Likely benign (2). Last evaluated 2025-12-16.

Conditions:
Dilated cardiomyopathy 1G (CMD1G). Identifiers: Orphanet 154, MedGen C1858763, MONDO:0011400, OMIM 604145.
Autosomal recessive limb-girdle muscular dystrophy type 2J (LGMDR10). Also called: Limb-girdle muscular dystrophy, type 2J; MUSCULAR DYSTROPHY, LIMB-GIRDLE, AUTOSOMAL RECESSIVE 10. Identifiers: Orphanet 140922, MedGen C1837342, MONDO:0012127, OMIM 608807.

Allele frequency attached by ClinVar (database versions not stated): TOPMed 0.00001; ExAC 0.00007.
gnomAD v4.1: 23 of 1,598,184 alleles (0.0014%); highest among the groups gnomAD compares: South Asian, 0.017%; 1 homozygote.

Submissions (3):

Labcorp Genetics (formerly Invitae), Labcorp
Classification: Likely benign for Dilated cardiomyopathy 1G; Autosomal recessive limb-girdle muscular dystrophy type 2J. Last evaluated: 2025-12-16. Review status: criteria provided, single submitter. Criteria: Invitae Variant Classification Sherloc (09022015). Collection method: clinical testing. Allele origin: germline.

CeGaT Center for Human Genetics Tuebingen
Classification: Likely benign. Last evaluated: 2025-07-01. Review status: criteria provided, single submitter. Criteria: CeGaT Center For Human Genetics Tuebingen Variant Classification Criteria Version 2. Collection method: clinical testing. Allele origin: germline. Affected: yes. Observed: 1 variant allele.
Comment: TTN: BP4, BP7

Revvity Omics, Revvity
Classification: Uncertain significance. Last evaluated: 2019-12-03. Review status: criteria provided, single submitter. Criteria: ACMG Guidelines, 2015. Collection method: clinical testing. Allele origin: germline.